The following is an entry in ClinVar:

NM_001177693.2(ARHGEF28):c.4477C>G (p.Leu1493Val)

Gene: ARHGEF28 (Rho guanine nucleotide exchange factor 28; plus strand). Cytogenetic location: 5q13.2.
Variant type: single nucleotide variant.
Coding change: c.4477C>G on transcript NM_001177693.2 (MANE Select); coding-DNA position 4477, C replaced by G.
Protein change: p.Leu1493Val; replaces leucine 1493 with valine.
Molecular consequence: missense variant.
Genome position (GRCh38, 1-based): chr5:73,909,727, C>G. VCF-style: chr5-73909727-C-G. GRCh37 (hg19) VCF-style: chr5-73205552-C-G.
Other names: c.4477C>G, p.Leu1493Val (NM_001080479.3, NM_001388078.1); c.3538C>G, p.Leu1180Val (NM_001244364.2); c.4183C>G, p.Leu1395Val (NM_001388076.1); short protein forms L1180V, L1395V, L1493V.
Identifiers: ClinVar variation 3349034 (VCV003349034.1).

ClinVar aggregate classification (germline): Uncertain significance (0 of 4 stars; one submission).

Conditions:
ARHGEF28-related disorder. Also called: ARHGEF28-related condition.

Submission:

PreventionGenetics, part of Exact Sciences
Classification: Uncertain significance for ARHGEF28-related condition. Last evaluated: 2024-03-23. Review status: no assertion criteria provided. Collection method: clinical testing. Allele origin: germline.
Comment: The ARHGEF28 c.4477C>G variant is predicted to result in the amino acid substitution p.Leu1493Val. To our knowledge, this variant has not been reported in the literature or in a large population database, indicating this variant is rare. At this time, the clinical significance of this variant is uncertain due to the absence of conclusive functional and genetic evidence.